The following is an entry in ClinVar:

NM_000428.3(LTBP2):c.2596G>C (p.Asp866His)

Gene: LTBP2 (latent transforming growth factor beta binding protein 2; minus strand). Cytogenetic location: 14q24.3.
Variant type: single nucleotide variant.
Coding change: c.2596G>C on transcript NM_000428.3 (MANE Select); coding-DNA position 2596, G replaced by C.
Protein change: p.Asp866His; replaces aspartic acid 866 with histidine.
Molecular consequence: missense variant.
Genome position (GRCh38, 1-based): chr14:74,522,853, C>G on the plus strand (G>C on the coding strand, the complement: LTBP2 is on the minus strand). VCF-style: chr14-74522853-C-G. GRCh37 (hg19) VCF-style: chr14-74989556-C-G.
Other names: short protein forms D866H.
Identifiers: ClinVar variation 4049842 (VCV004049842.2).
Genomic context (GRCh38, chr14:74,522,853, plus strand): 5'-TGCAGTAGGCCTGGCTGGGGTGCAGCTGGTAGCCAGGGCTGCAGACACATCTGTATCCAT[C>G]GGGGAGGTTCACGCAGGTTCCAGGGCCACAGACGTTGGTGGCTCCAGCAGCGCATCTGTC-3'
Protein context (NP_000419.1, residues 856-876): CGPGTCVNLP[Asp866His]GYRCVCSPGY

ClinVar aggregate classification (germline): Uncertain significance. Review status: criteria provided, multiple submitters, no conflicts (2 of 4 stars). 2 submissions from 2 submitters: Uncertain significance (2). Last evaluated 2026-02-04.

Conditions:
Inborn genetic diseases. Identifiers: MedGen C0950123, MeSH D030342.

gnomAD v4.1: 3 of 1,612,636 alleles (0.00019%); highest among the groups gnomAD compares: Admixed American, 0.005%; no homozygotes.

Submissions (2):

GeneDx
Classification: Uncertain significance. Last evaluated: 2026-02-04. Review status: criteria provided, single submitter. Criteria: GeneDx Variant Classification Process June 2021. Collection method: clinical testing. Allele origin: germline.
Comment: Not observed at significant frequency in large population cohorts (gnomAD); In silico analysis suggests that this missense variant does not alter protein structure/function; Has not been previously published as pathogenic or benign to our knowledge

Ambry Genetics
Classification: Uncertain significance for Inborn genetic diseases. Last evaluated: 2025-04-08. Review status: criteria provided, single submitter. Criteria: Ambry Variant Classification Scheme 2023. Collection method: clinical testing. Allele origin: germline.